The following is an entry in ClinVar:

NM_002354.3(EPCAM):c.152T>G (p.Val51Gly)

Gene: EPCAM (epithelial cell adhesion molecule; plus strand). Cytogenetic location: 2p21.
Variant type: single nucleotide variant.
Coding change: c.152T>G on transcript NM_002354.3 (MANE Select); coding-DNA position 152, T replaced by G.
Protein change: p.Val51Gly; replaces valine 51 with glycine.
Molecular consequence: missense variant.
Genome position (GRCh38, 1-based): chr2:47,373,538, T>G. VCF-style: chr2-47373538-T-G. GRCh37 (hg19) VCF-style: chr2-47600677-T-G.
Other names: short protein forms V51G.
Identifiers: ClinVar variation 3222082 (VCV003222082.1), dbSNP rs1180392986, ClinGen allele CA346722601.
Genomic context (GRCh38, chr2:47,373,538, plus strand): 5'-ACTACAAGCTGGCCGTAAACTGCTTTGTGAATAATAATCGTCAATGCCAGTGTACTTCAG[T>G]TGGTGCACAAAATACTGTCATTTGCTCAAAGCGTGAGTAAAATATCCTAATTACCTGTAA-3'
Protein context (NP_002345.2, residues 41-61): NNNRQCQCTS[Val51Gly]GAQNTVICSK

ClinVar aggregate classification (germline): Uncertain significance (1 of 4 stars; one submission).

Conditions:
Hereditary cancer-predisposing syndrome. Also called: Tumor predisposition; Hereditary neoplastic syndrome; Hereditary Cancer Syndrome; Neoplastic Syndromes, Hereditary. Identifiers: Orphanet 140162, MedGen C0027672, MeSH D009386, MONDO:0015356.

Allele frequency attached by ClinVar (database versions not stated): gnomAD exomes below 0.00001; TOPMed below 0.00001.
gnomAD v4.1: 1 of 1,613,588 alleles (0.000062%); highest among the groups gnomAD compares: Non-Finnish European, 0.000085%; no homozygotes.

Submission:

Ambry Genetics
Classification: Uncertain significance for Hereditary cancer-predisposing syndrome. Last evaluated: 2023-12-15. Review status: criteria provided, single submitter. Criteria: Ambry Variant Classification Scheme 2023. Collection method: clinical testing. Allele origin: germline.
Comment: The p.V51G variant (also known as c.152T>G), located in coding exon 2 of the EPCAM gene, results from a T to G substitution at nucleotide position 152. The valine at codon 51 is replaced by glycine, an amino acid with dissimilar properties. This amino acid position is conserved. In addition, this alteration is predicted to be tolerated by in silico analysis. Since supporting evidence is limited at this time, the clinical significance of this alteration remains unclear.